The following is an entry in ClinVar:

NC_000007.13:g.(?_107314599)_(107315564_?)del

Gene: SLC26A4 (solute carrier family 26 member 4; plus strand). Cytogenetic location: 7q22.3.
Variant type: Deletion.
Identifiers: ClinVar variation 2423099 (VCV002423099.3).

ClinVar aggregate classification (germline): Pathogenic (1 of 4 stars; one submission).

Submission:

Labcorp Genetics (formerly Invitae), Labcorp
Classification: Pathogenic. Last evaluated: 2022-08-12. Review status: criteria provided, single submitter. Criteria: Invitae Variant Classification Sherloc (09022015). Collection method: clinical testing. Allele origin: germline.
Comment: This variant is a gross deletion of the genomic region encompassing exon(s) 5-6 of the SLC26A4 gene. This deletion is out-of-frame, and is expected to create a premature termination codon and result in an absent or disrupted protein product. Loss-of-function variants in SLC26A4 are known to be pathogenic (PMID: 16283880, 25394566, 26252218, 26445815). A similar copy number variant has been observed in individual(s) with deafness (PMID: 17443271, 33724713). For these reasons, this variant has been classified as Pathogenic.

Literature cited by the submitters: PubMed 16283880; PubMed 25394566; PubMed 26252218; PubMed 26445815; PubMed 17443271; PubMed 33724713.